The following is an entry in ClinVar:

NM_201384.3(PLEC):c.8932C>T (p.Arg2978Cys)

Gene: PLEC (plectin; minus strand). Cytogenetic location: 8q24.3.
Variant type: single nucleotide variant.
Coding change: c.8932C>T on transcript NM_201384.3 (MANE Select); coding-DNA position 8932, C replaced by T.
Protein change: p.Arg2978Cys; replaces arginine 2978 with cysteine.
Molecular consequence: missense variant.
Genome position (GRCh38, 1-based): chr8:143,920,889, G>A on the plus strand (C>T on the coding strand, the complement: PLEC is on the minus strand). VCF-style: chr8-143920889-G-A. GRCh37 (hg19) VCF-style: chr8-144995057-G-A.
Other names: c.9013C>T, p.Arg3005Cys (NM_000445.5); c.8890C>T, p.Arg2964Cys (NM_201378.4); c.8866C>T, p.Arg2956Cys (NM_201379.3); c.9343C>T, p.Arg3115Cys (NM_201380.4); c.8836C>T, p.Arg2946Cys (NM_201381.3); c.8932C>T, p.Arg2978Cys (NM_201382.4); c.8944C>T, p.Arg2982Cys (NM_201383.3); short protein forms R2978C, R2982C, R3115C, R3005C, R2946C, R2956C, R2964C.
Identifiers: ClinVar variation 471668 (VCV000471668.10), dbSNP rs782297488, ClinGen allele CA4925135.

ClinVar aggregate classification (germline): Conflicting classifications of pathogenicity. Review status: criteria provided, conflicting classifications (1 of 4 stars). 3 submissions from 3 submitters: Uncertain significance (2); Likely benign (1). Last evaluated 2026-06-16.

Conditions:
PLEC-related disorder. Also called: PLEC-related disorders; PLEC-related condition.
Autosomal recessive limb-girdle muscular dystrophy type 2Q (LGMDR17). Also called: MUSCULAR DYSTROPHY, LIMB-GIRDLE, AUTOSOMAL RECESSIVE 17. Identifiers: Orphanet 254361, MedGen C3150989, MONDO:0013390, OMIM 613723.
Epidermolysis bullosa simplex with nail dystrophy (EBS5D). Identifiers: MedGen C4225309, MONDO:0014661, OMIM 616487.
Epidermolysis bullosa simplex 5C, with pyloric atresia (EBS5C). Also called: PLEC-Related Epidermolysis Bullosa with Pyloric Atresia; Epidermolysis bullosa simplex with pyloric atresia; PLEC1-Related Epidermolysis Bullosa with Pyloric Atresia. Identifiers: Orphanet 158684, MedGen C2677349, MONDO:0012807, OMIM 612138.
Epidermolysis bullosa simplex, Ogna type (EBS5A). Also called: Pidermolysis bullosa simplex 5A, Ogna type; EPIDERMOLYSIS BULLOSA SIMPLEX 5A, OGNA TYPE. Identifiers: Orphanet 79401, MedGen C0432317, MONDO:0007555, OMIM 131950.
Epidermolysis bullosa simplex 5B, with muscular dystrophy (EBS5B). Also called: EPIDERMOLYSIS BULLOSA SIMPLEX AND LIMB-GIRDLE MUSCULAR DYSTROPHY; Epidermolysis bullosa simplex with muscular dystrophy. Identifiers: Orphanet 257, MedGen C2931072, MONDO:0009181, OMIM 226670.

Allele frequency attached by ClinVar (database versions not stated): gnomAD 0.00003; TOPMed 0.00006; gnomAD exomes 0.00009 and 0.00012; ExAC 0.00010.
gnomAD v4.1: 138 of 1,611,458 alleles (0.0086%); highest among the groups gnomAD compares: South Asian, 0.047%; no homozygotes.

Submissions (3):

PreventionGenetics, part of Exact Sciences
Classification: Uncertain significance for PLEC-related condition. Last evaluated: 2026-06-16. Review status: criteria provided, single submitter. Criteria: ACMG Guidelines, 2015. Collection method: clinical testing. Allele origin: germline.
Comment: The PLEC c.9013C>T variant is predicted to result in the amino acid substitution p.Arg3005Cys. To our knowledge, this variant has not been reported in the literature. This variant is reported in 0.056% of alleles in individuals of South Asian descent in gnomAD. Although we suspect that this variant may be benign, at this time, the clinical significance of this variant is uncertain due to the absence of conclusive functional and genetic evidence.

Labcorp Genetics (formerly Invitae), Labcorp
Classification: Uncertain significance for Autosomal recessive limb-girdle muscular dystrophy type 2Q; Epidermolysis bullosa simplex, Ogna type; Epidermolysis bullosa simplex with nail dystrophy; Epidermolysis bullosa simplex 5C, with pyloric atresia; Epidermolysis bullosa simplex 5B, with muscular dystrophy. Last evaluated: 2025-12-10. Review status: criteria provided, single submitter. Criteria: Invitae Variant Classification Sherloc (09022015). Collection method: clinical testing. Allele origin: germline.
Comment: This sequence change replaces arginine, which is basic and polar, with cysteine, which is neutral and slightly polar, at codon 3005 of the PLEC protein (p.Arg3005Cys). This variant is present in population databases (rs782297488, gnomAD 0.06%). This missense change has been observed in individual(s) with PLEC-related conditions (PMID: 38818036). ClinVar contains an entry for this variant (Variation ID: 471668). Invitae Evidence Modeling of protein sequence and biophysical properties (such as structural, functional, and spatial information, amino acid conservation, physicochemical variation, residue mobility, and thermodynamic stability) indicates that this missense variant is not expected to disrupt PLEC protein function with a negative predictive value of 80%. In summary, the available evidence is currently insufficient to determine the role of this variant in disease. Therefore, it has been classified as a Variant of Uncertain Significance.

Revvity Omics, Revvity
Classification: Likely benign. Last evaluated: 2023-04-14. Review status: criteria provided, single submitter. Criteria: ACMG Guidelines, 2015. Collection method: clinical testing. Allele origin: germline.

Literature cited by the submitters: PubMed 38818036 (cited by Labcorp Genetics (formerly Invitae), Labcorp).